The following is an entry in ClinVar:

ClinVar aggregate classification (germline): Uncertain significance (1 of 4 stars; one submission).

Conditions:
Rhabdoid tumor predisposition syndrome 2 (RTPS2). Identifiers: Orphanet 231108, Orphanet 69077, MedGen C2750074, MONDO:0013224, OMIM 613325.

Submission:

Labcorp Genetics (formerly Invitae), Labcorp
Classification: Uncertain significance for Rhabdoid tumor predisposition syndrome 2. Last evaluated: 2021-08-27. Review status: criteria provided, single submitter. Criteria: Invitae Variant Classification Sherloc (09022015). Collection method: clinical testing. Allele origin: germline.
Comment: This sequence change replaces leucine with isoleucine at codon 1631 of the SMARCA4 protein (p.Leu1631Ile). The leucine residue is highly conserved and there is a small physicochemical difference between leucine and isoleucine. This variant is not present in population databases (ExAC no frequency). In summary, the available evidence is currently insufficient to determine the role of this variant in disease. Therefore, it has been classified as a Variant of Uncertain Significance. Algorithms developed to predict the effect of missense changes on protein structure and function are either unavailable or do not agree on the potential impact of this missense change (SIFT: "Deleterious"; PolyPhen-2: "Possibly Damaging"; Align-GVGD: "Class C0"). This variant has not been reported in the literature in individuals affected with SMARCA4-related conditions.

NM_003072.5(SMARCA4):c.4795C>A (p.Leu1599Ile)

Gene: SMARCA4 (SWI/SNF related BAF chromatin remodeling complex subunit ATPase 4; plus strand). Cytogenetic location: 19p13.2.
Variant type: single nucleotide variant.
Coding change: c.4795C>A on transcript NM_003072.5 (MANE Select); coding-DNA position 4795, C replaced by A.
Protein change: p.Leu1599Ile; replaces leucine 1599 with isoleucine.
Molecular consequence: missense variant. On other transcripts: non-coding transcript variant (1).
Genome position (GRCh38, 1-based): chr19:11,060,071, C>A. VCF-style: chr19-11060071-C-A. GRCh37 (hg19) VCF-style: chr19-11170747-C-A.
Other names: c.4795C>A, p.Leu1599Ile (NM_001128844.3); c.4705C>A, p.Leu1569Ile (NM_001128845.2); c.4702C>A, p.Leu1568Ile (NM_001128846.2); c.4696C>A, p.Leu1566Ile (NM_001128847.4, NM_001374457.1); c.4693C>A, p.Leu1565Ile (NM_001128848.2); c.4891C>A, p.Leu1631Ile (NM_001128849.3, NM_001387283.1); short protein forms L1565I, L1569I, L1566I, L1568I, L1631I, L1599I.
Identifiers: ClinVar variation 1035526 (VCV001035526.6), dbSNP rs1060502091, ClinGen allele CA404080371.